The following is an entry in ClinVar:

NM_014239.4(EIF2B2):c.826C>T (p.Pro276Ser)

Gene: EIF2B2 (eukaryotic translation initiation factor 2B subunit beta; plus strand). Cytogenetic location: 14q24.3.
Variant type: single nucleotide variant.
Coding change: c.826C>T on transcript NM_014239.4 (MANE Select); coding-DNA position 826, C replaced by T.
Protein change: p.Pro276Ser; replaces proline 276 with serine.
Molecular consequence: missense variant.
Genome position (GRCh38, 1-based): chr14:75,006,709, C>T. VCF-style: chr14-75006709-C-T. GRCh37 (hg19) VCF-style: chr14-75473412-C-T.
Other names: c.826C>T (NM_014239.3); short protein forms P276S.
Identifiers: ClinVar variation 493146 (VCV000493146.47), dbSNP rs1555385495, ClinGen allele CA390429170.

ClinVar aggregate classification (germline): Uncertain significance. Review status: criteria provided, multiple submitters, no conflicts (2 of 4 stars). 4 submissions from 3 submitters: Uncertain significance (3). 1 of the submissions does not count toward it. Last evaluated 2026-03-27.

Conditions:
Inborn genetic diseases. Identifiers: MedGen C0950123, MeSH D030342.
Leukoencephalopathy with vanishing white matter 1 (VWM1). Also called: Cree leukoencephalopathy; Vanishing white matter leukodystrophy; EIF2B1-Related Childhood Ataxia with Central Nervous System Hypomyelination/Vanishing White Matter; CHILDHOOD ATAXIA WITH CENTRAL NERVOUS SYSTEM HYPOMYELINIZATION. Identifiers: Orphanet 99854, MedGen C5779972, MONDO:0020507, OMIM 603896.
Leukoencephalopathy with vanishing white matter 2 (VWM2). Also called: Leukoencephalopathy with vanishing white matter 2, with or without ovarian failure; EIF2B2-Related Childhood Ataxia with Central Nervous System Hypomyelination/Vanishing White Matter. Identifiers: MedGen C5830404, MONDO:0957870, OMIM 620312.

Allele frequency attached by ClinVar (database versions not stated): gnomAD exomes below 0.00001.
gnomAD v4.1: 3 of 1,614,164 alleles (0.00019%); highest among the groups gnomAD compares: Middle Eastern, 0.016%; no homozygotes.

Submissions (4):

Center for Human Genetics and Genomic Medicine, Uniklinik Rwth Aachen
Classification: Uncertain significance for Leukoencephalopathy with vanishing white matter 1. Last evaluated: 2026-03-27. Review status: criteria provided, single submitter. Criteria: ACMG Guidelines, 2015. Collection method: clinical testing. Allele origin: biparental. Affected: yes.

Ambry Genetics
Classification: Uncertain significance for Inborn genetic diseases. Last evaluated: 2021-07-09. Review status: criteria provided, single submitter. Criteria: Ambry Variant Classification Scheme 2023. Collection method: clinical testing. Allele origin: germline.

CeGaT Center for Human Genetics Tuebingen
Classification: Uncertain significance. Last evaluated: 2017-09-01. Review status: criteria provided, single submitter. Criteria: CeGaT Center For Human Genetics Tuebingen Variant Classification Criteria Version 2. Collection method: clinical testing. Allele origin: germline. Affected: yes. Observed: 1 variant allele.

Center for Human Genetics and Genomic Medicine, Uniklinik Rwth Aachen
Classification: Uncertain significance for Leukoencephalopathy with vanishing white matter 2. Last evaluated: 2025-07-07. Review status: no assertion criteria provided. Collection method: clinical testing. Allele origin: germline. Inheritance: Autosomal recessive inheritance. Affected: yes. Observed: 1 homozygote. Not counted in ClinVar's aggregate classification.
Comment: The variant has a low frequency in population databases (gnomAD v4.1.0). There are two entries in ClinVar one of which is in an affected individual without further details given. Missense variants are a known mechanism of disease in the gene. PM2_sup, PM3_sup, PP3_sup; PP2